The following is an entry in ClinVar:

ClinVar aggregate classification (germline): Uncertain significance (0 of 4 stars; one submission).

Conditions:
DGAT2L6-related disorder. Also called: DGAT2L6-related condition.

Submission:

PreventionGenetics, part of Exact Sciences
Classification: Uncertain significance for DGAT2L6-related condition. Last evaluated: 2023-12-22. Review status: no assertion criteria provided. Collection method: clinical testing. Allele origin: germline.
Comment: The DGAT2L6 c.928C>T variant is predicted to result in the amino acid substitution p.Leu310Phe. To our knowledge, this variant has not been reported in the literature or in a large population database, indicating this variant is rare. At this time, the clinical significance of this variant is uncertain due to the absence of conclusive functional and genetic evidence.

NM_198512.3(DGAT2L6):c.928C>T (p.Leu310Phe)

Gene: DGAT2L6 (diacylglycerol O-acyltransferase 2 like 6; plus strand). Cytogenetic location: Xq13.1.
Variant type: single nucleotide variant.
Coding change: c.928C>T on transcript NM_198512.3 (MANE Select); coding-DNA position 928, C replaced by T.
Protein change: p.Leu310Phe; replaces leucine 310 with phenylalanine.
Molecular consequence: missense variant.
Genome position (GRCh38, 1-based): chrX:70,205,020, C>T. VCF-style: chrX-70205020-C-T. GRCh37 (hg19) VCF-style: chrX-69424870-C-T.
Other names: short protein forms L310F.
Identifiers: ClinVar variation 3057381 (VCV003057381.2), dbSNP rs2520795514, ClinGen allele CA413459865.